The following is an entry in ClinVar:

ClinVar aggregate classification (germline): Uncertain significance (1 of 4 stars; one submission).

Conditions:
Hereditary cancer-predisposing syndrome. Also called: Neoplastic Syndromes, Hereditary; Tumor predisposition; Hereditary Cancer Syndrome; Hereditary neoplastic syndrome. Identifiers: Orphanet 140162, MedGen C0027672, MeSH D009386, MONDO:0015356.

Submission:

Ambry Genetics
Classification: Uncertain significance for Hereditary cancer-predisposing syndrome. Last evaluated: 2022-03-29. Review status: criteria provided, single submitter. Criteria: Ambry Variant Classification Scheme 2023. Collection method: clinical testing. Allele origin: germline.
Comment: The p.R1172I variant (also known as c.3515G>T), located in coding exon 6 of the MSH6 gene, results from a G to T substitution at nucleotide position 3515. The arginine at codon 1172 is replaced by isoleucine, an amino acid with similar properties. This amino acid position is highly conserved in available vertebrate species. In addition, this alteration is predicted to be deleterious by in silico analysis. Since supporting evidence is limited at this time, the clinical significance of this alteration remains unclear.

NM_000179.3(MSH6):c.3515G>T (p.Arg1172Ile)

Gene: MSH6 (mutS homolog 6; plus strand). Cytogenetic location: 2p16.3.
Variant type: single nucleotide variant.
Coding change: c.3515G>T on transcript NM_000179.3 (MANE Select); coding-DNA position 3515, G replaced by T.
Protein change: p.Arg1172Ile; replaces arginine 1172 with isoleucine.
Molecular consequence: missense variant.
Genome position (GRCh38, 1-based): chr2:47,804,986, G>T. VCF-style: chr2-47804986-G-T. GRCh37 (hg19) VCF-style: chr2-48032125-G-T.
Other names: c.3125G>T, p.Arg1042Ile (NM_001281492.2); c.2609G>T, p.Arg870Ile (NM_001281493.2, NM_001281494.2, NM_001406811.1 and 6 more transcripts); c.3611G>T, p.Arg1204Ile (NM_001406795.1, NM_001406802.1); c.3515G>T, p.Arg1172Ile (NM_001406796.1, NM_001406800.1, NM_001406808.1 and 1 more transcripts); c.3218G>T, p.Arg1073Ile (NM_001406797.1, NM_001406801.1, NM_001406805.1 and 10 more transcripts); c.3341G>T, p.Arg1114Ile (NM_001406798.1); c.2990G>T, p.Arg997Ile (NM_001406799.1, NM_001406806.1, NM_001406807.1); c.2651G>T, p.Arg884Ile (NM_001406803.1); and 7 more; short protein forms R121I, R487I, R99I, R650I, R884I, R997I, R1073I, R1114I.
Identifiers: ClinVar variation 1732200 (VCV001732200.2), dbSNP rs864622217, ClinGen allele CA346760200.